The following is an entry in ClinVar:

ClinVar aggregate classification (germline): Likely benign. Review status: criteria provided, multiple submitters, no conflicts (2 of 4 stars). 2 submissions from 2 submitters: Likely benign (2). Last evaluated 2025-01-09.

Conditions:
Hereditary cancer-predisposing syndrome. Also called: Tumor predisposition; Neoplastic Syndromes, Hereditary; Hereditary neoplastic syndrome; Hereditary Cancer Syndrome. Identifiers: Orphanet 140162, MedGen C0027672, MeSH D009386, MONDO:0015356.

Allele frequency attached by ClinVar (database versions not stated): gnomAD exomes below 0.00001; TOPMed 0.00001.
gnomAD v4.1: 1 of 1,595,326 alleles (0.000063%); highest among the groups gnomAD compares: Non-Finnish European, 0.000086%; no homozygotes.

Submissions (2):

Women's Health and Genetics/Laboratory Corporation of America, LabCorp
Classification: Likely benign. Last evaluated: 2025-01-09. Review status: criteria provided, single submitter. Criteria: LabCorp Variant Classification Summary - May 2015. Collection method: clinical testing. Allele origin: germline.
Comment: Variant summary: RAD50 c.1794-9T>C alters a conserved nucleotide located at a position not widely known to affect splicing. Consensus agreement among computation tools predict no significant impact on normal splicing. However, these predictions have yet to be confirmed by functional studies. The variant allele was found at a frequency of 6.3e-07 in 1595326 control chromosomes. The available data on variant occurrences in the general population are insufficient to allow any conclusion about variant significance. To our knowledge, no occurrence of c.1794-9T>C in individuals affected with Hereditary Breast And Ovarian Cancer Syndrome and no experimental evidence demonstrating its impact on protein function have been reported. ClinVar contains an entry for this variant (Variation ID: 414953). Based on the evidence outlined above, the variant was classified as likely benign.

Labcorp Genetics (formerly Invitae), Labcorp
Classification: Likely benign for Hereditary cancer-predisposing syndrome. Last evaluated: 2022-08-27. Review status: criteria provided, single submitter. Criteria: Invitae Variant Classification Sherloc (09022015). Collection method: clinical testing. Allele origin: germline.

NM_005732.4(RAD50):c.1794-9T>C

Gene: RAD50 (RAD50 double strand break repair protein; plus strand). Cytogenetic location: 5q31.1.
Variant type: single nucleotide variant.
Coding change: c.1794-9T>C on transcript NM_005732.4 (MANE Select); 9 bases into the intron before coding-DNA position 1794, T replaced by C.
Molecular consequence: intron variant.
Genome position (GRCh38, 1-based): chr5:132,594,860, T>C. VCF-style: chr5-132594860-T-C. GRCh37 (hg19) VCF-style: chr5-131930552-T-C.
Identifiers: ClinVar variation 414953 (VCV000414953.13), dbSNP rs1060504397, ClinGen allele CA16611828.
Genomic context (GRCh38, chr5:132,594,860, plus strand): 5'-TGCCTACTCAAATTTTCAAACTAATTTCTCCTATTTTAAAATGAAAATCCATATTTGCTC[T>C]TATTTTAGCAAGGAACTAGCTTCATCTGAGCAGAATAAAAATCATATAAATAATGAACTA-3'